The following is an entry in ClinVar:

ClinVar aggregate classification (germline): Conflicting classifications of pathogenicity. Review status: criteria provided, conflicting classifications (1 of 4 stars). 2 submissions from 2 submitters: Uncertain significance (1); Likely benign (1). Last evaluated 2022-10-26.

Conditions:
Hereditary cancer-predisposing syndrome. Also called: Neoplastic Syndromes, Hereditary; Tumor predisposition; Hereditary neoplastic syndrome; Hereditary Cancer Syndrome. Identifiers: Orphanet 140162, MedGen C0027672, MeSH D009386, MONDO:0015356.
Familial cancer of breast. Also called: BREAST CANCER, FAMILIAL; Hereditary breast cancer; hereditary breast carcinoma. Identifiers: Orphanet 227535, MedGen C0346153, MONDO:0016419, OMIM 114480. Disease mechanism: loss of function.

Allele frequency attached by ClinVar (database versions not stated): TOPMed 0.00001.

Submissions (2):

Labcorp Genetics (formerly Invitae), Labcorp
Classification: Uncertain significance for Familial cancer of breast. Last evaluated: 2022-10-26. Review status: criteria provided, single submitter. Criteria: Invitae Variant Classification Sherloc (09022015). Collection method: clinical testing. Allele origin: germline.
Comment: ClinVar contains an entry for this variant (Variation ID: 825799). In summary, the available evidence is currently insufficient to determine the role of this variant in disease. Therefore, it has been classified as a Variant of Uncertain Significance. Algorithms developed to predict the effect of missense changes on protein structure and function output the following: SIFT: "Tolerated"; PolyPhen-2: "Benign"; Align-GVGD: "Class C0". The serine amino acid residue is found in multiple mammalian species, which suggests that this missense change does not adversely affect protein function. This variant has not been reported in the literature in individuals affected with CHEK2-related conditions. This variant is not present in population databases (gnomAD no frequency). This sequence change replaces asparagine, which is neutral and polar, with serine, which is neutral and polar, at codon 184 of the CHEK2 protein (p.Asn184Ser).

Ambry Genetics
Classification: Likely benign for Hereditary cancer-predisposing syndrome. Last evaluated: 2018-03-30. Review status: criteria provided, single submitter. Criteria: Ambry Variant Classification Scheme 2023. Collection method: clinical testing. Allele origin: germline.

NM_007194.4(CHEK2):c.551A>G (p.Asn184Ser)

Gene: CHEK2 (checkpoint kinase 2; minus strand). Cytogenetic location: 22q12.1.
Variant type: single nucleotide variant.
Coding change: c.551A>G on transcript NM_007194.4 (MANE Select); coding-DNA position 551, A replaced by G.
Protein change: p.Asn184Ser; replaces asparagine 184 with serine.
Molecular consequence: missense variant. On other transcripts: 5 prime UTR variant (2), intron variant (1).
Genome position (GRCh38, 1-based): chr22:28,725,018, T>C on the plus strand (A>G on the coding strand, the complement: CHEK2 is on the minus strand). VCF-style: chr22-28725018-T-C. GRCh37 (hg19) VCF-style: chr22-29121006-T-C.
Other names: c.680A>G, p.Asn227Ser (NM_001005735.3, NM_001438294.1); c.-227A>G (NM_001257387.3); c.-113A>G (NM_001437942.1); c.644A>G, p.Asn215Ser (NM_001438293.1, NM_001438295.1); c.551A>G, p.Asn184Ser (NM_145862.3); c.445-95A>G (NM_001349956.3); short protein forms N184S, N227S, N215S.
Identifiers: ClinVar variation 825799 (VCV000825799.7), dbSNP rs1444410452, ClinGen allele CA411107175.
Genomic context (GRCh38, chr22:28,725,018, plus strand): 5'-CATAAGATAATAATATTACCTTTATTTCTGCTTAGTGACAGTGCAATTTCAGAATTGTTA[T>C]TCAAAGGACGGCGTTTTCCTTTCCCTACAAGCTCTGTATTTACAAAGGTTCCATTGCCAC-3'
Protein context (NP_009125.1, residues 174-194): LVGKGKRRPL[Asn184Ser]NNSEIALSLS